The following is an entry in ClinVar:

ClinVar aggregate classification (germline): Benign (1 of 4 stars; one submission).

Conditions:
Megalencephalic leukoencephalopathy with subcortical cysts 1 (MLC1). Also called: LEUKOENCEPHALOPATHY WITH SWELLING AND CYSTS; VACUOLATING MEGALENCEPHALIC LEUKOENCEPHALOPATHY WITH SUBCORTICAL CYSTS. Identifiers: Orphanet 2478, MedGen C5779875, MONDO:0024555, OMIM 604004.

Allele frequency attached by ClinVar (database versions not stated): TOPMed 0.00290; 1000 Genomes Project 0.00479; 1000 Genomes Project 30x 0.00515.

Submission:

Illumina Laboratory Services, Illumina
Classification: Benign for Megalencephalic leukoencephalopathy with subcortical cysts 1. Last evaluated: 2018-01-13. Review status: criteria provided, single submitter. Criteria: ICSL Variant Classification Criteria 13 December 2019. Collection method: clinical testing. Allele origin: germline.
Comment: This variant was observed in the ICSL laboratory as part of a predisposition screen in an ostensibly healthy population. It had not been previously curated by ICSL or reported in the Human Gene Mutation Database (HGMD: prior to June 1st, 2018), and was therefore a candidate for classification through an automated scoring system. Utilizing variant allele frequency, disease prevalence and penetrance estimates, and inheritance mode, an automated score was calculated to assess if this variant is too frequent to cause the disease. Based on the score and internal cut-off values, a variant classified as benign is not then subjected to further curation. The score for this variant resulted in a classification of benign for this disease.

NM_015166.4(MLC1):c.*661G>C

Gene: MLC1 (modulator of VRAC current 1; minus strand). Cytogenetic location: 22q13.33.
Variant type: single nucleotide variant.
Coding change: c.*661G>C on transcript NM_015166.4 (MANE Select); 661 bases downstream of the stop codon, G replaced by C.
Molecular consequence: 3 prime UTR variant. On other transcripts: intron variant (2).
Genome position (GRCh38, 1-based): chr22:50,060,922, C>G on the plus strand (G>C on the coding strand, the complement: MLC1 is on the minus strand). VCF-style: chr22-50060922-C-G. GRCh37 (hg19) VCF-style: chr22-50499351-C-G.
Other names: c.*661G>C (NM_001376472.1, NM_001376473.1, NM_001376474.1 and 9 more transcripts); c.*45+616G>C (NM_001376478.1, NM_001376477.1).
Identifiers: ClinVar variation 900204 (VCV000900204.4), dbSNP rs376823805, ClinGen allele CA325479079.